The following is an entry in ClinVar:

ClinVar aggregate classification (germline): Conflicting classifications of pathogenicity. Review status: criteria provided, conflicting classifications (1 of 4 stars). 3 submissions from 3 submitters: Uncertain significance (1); Benign (1). 1 of the submissions does not count toward it. Last evaluated 2026-01-20.

Conditions:
VPS13A-related neurodegenerative disease. Also called: Choreoacanthocytosis; Chorea-acanthocytosis; VPS13A Disease; Choreaacanthocytosis; LEVINE-CRITCHLEY SYNDROME; ACANTHOCYTOSIS WITH NEUROLOGIC DISORDER. Identifiers: Orphanet 2388, MedGen C0393576, MONDO:0008695, OMIM 200150.

Allele frequency attached by ClinVar (database versions not stated): gnomAD 0.00001 and 0.00010; TOPMed 0.00002; gnomAD exomes 0.00017; ExAC 0.00020; 1000 Genomes Project 30x 0.00109; 1000 Genomes Project 0.00120.
gnomAD v4.1: 168 of 1,613,664 alleles (0.01%); highest among the groups gnomAD compares: South Asian, 0.17%; 1 homozygote.

Submissions (3):

Labcorp Genetics (formerly Invitae), Labcorp
Classification: Benign. Last evaluated: 2026-01-20. Review status: criteria provided, single submitter. Criteria: Invitae Variant Classification Sherloc (09022015). Collection method: clinical testing. Allele origin: germline.

GeneDx
Classification: Uncertain significance. Last evaluated: 2019-10-18. Review status: criteria provided, single submitter. Criteria: GeneDx Variant Classification Process June 2021. Collection method: clinical testing. Allele origin: germline. Affected: yes.
Comment: Synonymous amino acid substitution; In silico analysis, which includes splice predictors and evolutionary conservation, supports that this variant does not alter protein structure/function; Has not been previously published as pathogenic or benign to our knowledge

Natera, Inc.
Classification: Benign for Choreaacanthocytosis. Last evaluated: 2020-04-13. Review status: no assertion criteria provided. Collection method: clinical testing. Allele origin: germline. Not counted in ClinVar's aggregate classification.

NM_033305.3(VPS13A):c.3804A>C (p.Arg1268=)

Gene: VPS13A (vacuolar protein sorting 13 homolog A; plus strand). Cytogenetic location: 9q21.2.
Variant type: single nucleotide variant.
Coding change: c.3804A>C on transcript NM_033305.3 (MANE Select); coding-DNA position 3804, A replaced by C.
Protein change: p.Arg1268=; no amino-acid change (arginine 1268 retained).
Molecular consequence: synonymous variant.
Genome position (GRCh38, 1-based): chr9:77,295,838, A>C. VCF-style: chr9-77295838-A-C. GRCh37 (hg19) VCF-style: chr9-79910754-A-C.
Other names: c.3687A>C, p.Arg1229= (NM_001018037.2); c.3804A>C, p.Arg1268= (NM_001018038.3, NM_015186.4).
Identifiers: ClinVar variation 697910 (VCV000697910.14), dbSNP rs527418139, ClinGen allele CA5092335.